The following is an entry in ClinVar:

NM_000070.3(CAPN3):c.1715G>A (p.Arg572Gln)

Gene: CAPN3 (calpain 3; plus strand). Cytogenetic location: 15q15.1.
Variant type: single nucleotide variant.
Coding change: c.1715G>A on transcript NM_000070.3 (MANE Select); coding-DNA position 1715, G replaced by A.
Protein change: p.Arg572Gln; replaces arginine 572 with glutamine.
Molecular consequence: missense variant.
Genome position (GRCh38, 1-based): chr15:42,402,972, G>A. VCF-style: chr15-42402972-G-A. GRCh37 (hg19) VCF-style: chr15-42695170-G-A.
Other names: NM_000070.3(CAPN3):c.1715G>A; c.1715G>A, p.Arg572Gln (NM_024344.2); c.1571G>A, p.Arg524Gln (NM_173087.2); c.179G>A, p.Arg60Gln (NM_173088.2); short protein forms R572Q, R524Q, R60Q.
Identifiers: ClinVar variation 17614 (VCV000017614.36), dbSNP rs121434544, ClinGen allele CA341470.

ClinVar aggregate classification (germline): Pathogenic. Review status: reviewed by expert panel (3 of 4 stars). 16 submissions from 16 submitters: Pathogenic (1). 15 of the submissions do not count toward it. Last evaluated 2026-02-10.

Conditions:
Muscular dystrophy, limb-girdle, autosomal dominant 4. Also called: MUSCULAR DYSTROPHY, LIMB-GIRDLE, TYPE 1I; Calpain-3-related limb-girdle muscular dystrophy D4. Identifiers: Orphanet 565909, MedGen C4748295, MONDO:0029133, OMIM 618129.
Autosomal recessive limb-girdle muscular dystrophy type 2A (LGMDR1). Also called: Muscular dystrophy, limb-girdle, type 2A, Amish; LEYDEN-MOEBIUS MUSCULAR DYSTROPHY; MUSCULAR DYSTROPHY, PELVOFEMORAL; Calpainopathy; Limb-girdle muscular dystrophy, type 2A. Identifiers: Orphanet 267, MedGen C1869123, MONDO:0009675, OMIM 253600. Disease mechanism: loss of function.
CAPN3-related disorder. Also called: CAPN3-related disorders; CAPN3-related condition. Identifiers: MedGen CN239245.
Autosomal recessive limb-girdle muscular dystrophy. Identifiers: Orphanet 102015, MedGen C2931907, MONDO:0015152.

Allele frequency attached by ClinVar (database versions not stated): gnomAD 0.00001 and 0.00002; TOPMed 0.00001.
gnomAD v4.1: 12 of 1,613,960 alleles (0.00074%); highest among the groups gnomAD compares: East Asian, 0.0022%; no homozygotes.

Submissions 1 to 8 of 16:

ClinGen Limb Girdle Muscular Dystrophy Variant Curation Expert Panel, ClinGen
Classification: Pathogenic for Autosomal recessive limb-girdle muscular dystrophy. Last evaluated: 2026-02-10. Review status: reviewed by expert panel. Criteria: ClinGen LGMD VCEP ACMG Specifications CAPN3 V2.0.0. Collection method: curation. Allele origin: germline. Inheritance: Autosomal recessive inheritance.
Comment: The NM_000070.3: c.1715G>A variant in CAPN3 is a missense variant expected to cause the substitution of arginine with glutamine at position 572, p.(Arg572Gln). This variant has been identified in at least 13 individuals with features consistent with LGMD (PMID: 16650086, 7720071, 27066545, 10102422, 27708273, 30564623, 15221789; ClinVar SCV000645479.8 internal data communication), including in a homozygous state in three unrelated individuals, one with possible familial consanguinity (1.0 pt, PMID: 16650086, 27066545; LOVD individual #00213675). In addition, it has been observed in unconfirmed phase with a pathogenic variant in at least five patients (c.1342C>T p.(Arg448Cys), 0.5 pts, PMID: 30564623, LOVD Individual #00221171; c.2362_2363delinsTCATCT p.(Arg788SerfsTer14) x2, 1.0 pt, PMID: 15221789, ClinVar SCV000645479.8 internal data communication; c.759_761del p.(Lys254del), 0.5 pts, ClinVar SCV000645479.8 internal data communication; c.550del p.(Thr184ArgfsTer36), 0.5 pts, ClinVar SCV000645479.8 internal data communication) and confirmed in trans with a likely pathogenic or pathogenic variant in one patient (c.1466G>A p.(Arg489Gln), 1.0 pt, ClinVar SCV000645479.8 internal data communication) (PM3_Very Strong). At least one individual with this variant displayed progressive limb girdle muscle weakness or had a clinical suspicion of LGMD (PMID: 16650086; PP4). This variant has also been reported to co-segregate with autosomal recessive LGMD in one affected family member (PMID: 27708273; PP1). The highest population allele frequency of this variant is 0.000022277 in the East Asian population of gnomAD v4.1.0 (1/44888 chromosomes), which is less than the threshold of 0.0001 (PM2_Supporting). The computational predictor REVEL gives a score of 0.935, which is above the LGMD VCEP threshold of ≥0.70, evidence that correlates with impact to CAPN3 function (PP3). In vitro functional studies have demonstrated that the Arg572Gln calpain-3 protein shows complete loss of proteolytic activity and altered calcium sensitivity (PMID: 9642255, 10818750). In summary, this variant meets the criteria to be classified as Pathogenic for autosomal recessive limb girdle muscular dystrophy based on the ACMG criteria applied, as specified by the LGMD VCEP (specifications version 2.0.0; 02/10/2026): PM3_Very Strong, PP4, PP1, PM2_Supporting, PP3.

Labcorp Genetics (formerly Invitae), Labcorp
Classification: Pathogenic for Autosomal recessive limb-girdle muscular dystrophy type 2A. Last evaluated: 2026-02-01. Review status: criteria provided, single submitter. Criteria: Invitae Variant Classification Sherloc (09022015). Collection method: clinical testing. Allele origin: germline. Not counted in ClinVar's aggregate classification.
Comment: This sequence change replaces arginine, which is basic and polar, with glutamine, which is neutral and polar, at codon 572 of the CAPN3 protein (p.Arg572Gln). This variant is present in population databases (rs121434544, gnomAD 0.003%). This missense change has been observed in individuals with autosomal recessive limb-girdle muscular dystrophy type 2A (LGMD2A) (PMID: 7720071, 10102422, 16650086, 27066545, 27708273). ClinVar contains an entry for this variant (Variation ID: 17614). Invitae Evidence Modeling of protein sequence and biophysical properties (such as structural, functional, and spatial information, amino acid conservation, physicochemical variation, residue mobility, and thermodynamic stability) indicates that this missense variant is expected to disrupt CAPN3 protein function with a positive predictive value of 80%. Experimental studies have shown that this missense change affects CAPN3 function (PMID: 9642272, 16627476). This variant disrupts the p.R472 amino acid residue in CAPN3. Other variant(s) that disrupt this residue have been determined to be pathogenic (PMID: 9150160, 10330340, 15221789, 16650086). This suggests that this residue is clinically significant, and that variants that disrupt this residue are likely to be disease-causing. For these reasons, this variant has been classified as Pathogenic.

Natera, Inc.
Classification: Pathogenic for Limb-girdle muscular dystrophy type 2A. Last evaluated: 2025-06-27. Review status: criteria provided, single submitter. Criteria: Natera Variant Classification Schema (03/2026). Collection method: clinical testing. Allele origin: germline. Not counted in ClinVar's aggregate classification.
Comment: The c.1715G>A variant in CAPN3 is a missense variant predicted to cause substitution of arginine to glutamine at amino acid 572. This variant is rare in the general population with a frequency below the threshold expected for the associated phenotype(s). This variant has been observed in one or more individuals affected with the associated recessive disease, as either homozygous or compound heterozygous with a second variant (PMID: 27708273, 7720071, 27066545). Additionally, this variant has been observed to segregate in affected family members (PMID: 27708273). A different variant at the same position has been determined to be Pathogenic or Likely Pathogenic. Computational prediction algorithms indicate this variant is likely to affect gene or protein function. Given the available evidence, this variant is classified as Pathogenic.

GeneDx
Classification: Pathogenic. Last evaluated: 2025-01-21. Review status: criteria provided, single submitter. Criteria: GeneDx Variant Classification Process June 2021. Collection method: clinical testing. Allele origin: germline. Affected: yes. Not counted in ClinVar's aggregate classification.
Comment: Published functional studies demonstrate that this variant reduces autolytic activity (PMID: 16627476); Not observed at significant frequency in large population cohorts (gnomAD); In silico analysis supports that this missense variant has a deleterious effect on protein structure/function; This variant is associated with the following publications: (PMID: 19156839, 7720071, 9642272, 16650086, 15221789, 10330340, 10102422, 10639725, 27708273, 31589614, 8624690, 10094566, 10818750, 31410652, 27500519, 32528171, 27066545, 16627476)

Genomic Medicine Center of Excellence, King Faisal Specialist Hospital and Research Centre
Classification: Pathogenic for Autosomal recessive limb-girdle muscular dystrophy type 2A. Last evaluated: 2024-09-22. Review status: criteria provided, single submitter. Criteria: ACMG Guidelines, 2015. Collection method: clinical testing. Allele origin: germline. Not counted in ClinVar's aggregate classification.

Revvity Omics, Revvity
Classification: Pathogenic. Last evaluated: 2024-05-27. Review status: criteria provided, single submitter. Criteria: ACMG Guidelines, 2015. Collection method: clinical testing. Allele origin: germline. Not counted in ClinVar's aggregate classification.

Baylor Genetics
Classification: Pathogenic for Muscular dystrophy, limb-girdle, autosomal dominant 4. Last evaluated: 2024-03-19. Review status: criteria provided, single submitter. Criteria: ACMG Guidelines, 2015. Collection method: clinical testing. Allele origin: unknown. Not counted in ClinVar's aggregate classification.

3billion
Classification: Pathogenic for Autosomal recessive limb-girdle muscular dystrophy type 2A. Last evaluated: 2024-01-18. Review status: criteria provided, single submitter. Criteria: ACMG Guidelines, 2015. Collection method: clinical testing. Allele origin: germline. Affected: yes. Not counted in ClinVar's aggregate classification.
Comment: The variant is observed at an extremely low frequency in the gnomAD v2.1.1 dataset (total allele frequency: 0.001%). Predicted Consequence/Location: Missense variant In silico tool predictions suggest damaging effect of the variant on gene or gene product [REVEL: 0.94 (>=0.6, sensitivity 0.68 and specificity 0.92); 3Cnet: 0.97 (>=0.6, sensitivity 0.72 and precision 0.9)]. Same nucleotide change resulting in same amino acid change has been previously reported as pathogenic/likely pathogenic with strong evidence (ClinVar ID: VCV000017614 /PMID: 7720071). Different missense changes at the same codon (p.Arg572Pro, p.Arg572Trp) have been reported as pathogenic/likely pathogenic with strong evidence (ClinVar ID: VCV000217152, VCV000287131 /PMID: 16141003, 9150160). Therefore, this variant is classified as Pathogenic according to the recommendation of ACMG/AMP guideline.